The following is an entry in ClinVar:

NM_138694.4(PKHD1):c.3650C>A (p.Ser1217Ter)

Gene: PKHD1 (PKHD1 ciliary IPT domain containing fibrocystin/polyductin; minus strand). Cytogenetic location: 6p12.2.
Variant type: single nucleotide variant.
Coding change: c.3650C>A on transcript NM_138694.4 (MANE Select); coding-DNA position 3650, C replaced by A.
Protein change: p.Ser1217Ter; replaces serine 1217 with a stop codon.
Molecular consequence: nonsense.
Genome position (GRCh38, 1-based): chr6:52,026,160, G>T on the plus strand (C>A on the coding strand, the complement: PKHD1 is on the minus strand). VCF-style: chr6-52026160-G-T. GRCh37 (hg19) VCF-style: chr6-51890958-G-T.
Other names: c.3650C>A, p.Ser1217Ter (NM_170724.3); short protein forms S1217*.
Identifiers: ClinVar variation 5016037 (VCV005016037.1).

ClinVar aggregate classification (germline): Pathogenic (1 of 4 stars; one submission).

Conditions:
Polycystic kidney disease 4 (PKD4). Also called: PKD3; Autosomal Recessive Polycystic Kidney Disease – PKHD1; POLYCYSTIC KIDNEY AND HEPATIC DISEASE 1; POLYCYSTIC KIDNEY DISEASE, INFANTILE, TYPE I; POLYCYSTIC KIDNEY DISEASE 4 WITH OR WITHOUT POLYCYSTIC LIVER DISEASE. Identifiers: MedGen C4540575, MONDO:0033004, OMIM 263200.

Submission:

Myriad Genetics, Inc.
Classification: Pathogenic for Polycystic kidney disease 4. Last evaluated: 2026-06-13. Review status: criteria provided, single submitter. Criteria: Myriad Autosomal Dominant, Autosomal Recessive and X-Linked Classification Criteria (2023). Collection method: clinical testing. Allele origin: unknown.
Comment: NM_138694.3(PKHD1):c.3650C>A(S1217*) is expected to be pathogenic in the context of autosomal recessive polycystic kidney disease, PKHD1-related. This variant is predicted to lead to an abnormal or absent protein product due to the creation of a premature termination codon in PKHD1, a gene where loss-of-function variants are known to be pathogenic. Please note: this variant was assessed in the context of healthy population screening.